The following is an entry in ClinVar:

NM_004795.4(KL):c.1371A>C (p.Ala457=)

Gene: KL (klotho; plus strand). Cytogenetic location: 13q13.1.
Variant type: single nucleotide variant.
Coding change: c.1371A>C on transcript NM_004795.4 (MANE Select); coding-DNA position 1371, A replaced by C.
Protein change: p.Ala457=; no amino-acid change (alanine 457 retained).
Molecular consequence: synonymous variant.
Genome position (GRCh38, 1-based): chr13:33,055,087, A>C. VCF-style: chr13-33055087-A-C. GRCh37 (hg19) VCF-style: chr13-33629224-A-C.
Other names: c.1371A>C (NM_004795.3).
Identifiers: ClinVar variation 1599274 (VCV001599274.12), dbSNP rs150268586, ClinGen allele CA6944095.

ClinVar aggregate classification (germline): Benign/Likely benign. Review status: criteria provided, multiple submitters, no conflicts (2 of 4 stars). 4 submissions from 4 submitters: Benign (1); Likely benign (2). 1 of the submissions does not count toward it. Last evaluated 2026-01-26.

Conditions:
Tumoral calcinosis, hyperphosphatemic, familial, 3. Identifiers: MedGen C4693864, MONDO:0060715, OMIM 617994.
KL-related disorder. Also called: KL-related condition.

Allele frequency attached by ClinVar (database versions not stated): gnomAD exomes 0.00056; ExAC 0.00067; ESP Exome Variant Server 0.00177; gnomAD 0.00192 and 0.00202; 1000 Genomes Project 0.00339; 1000 Genomes Project 30x 0.00344.
gnomAD v4.1: 600 of 1,614,150 alleles (0.037%); highest among the groups gnomAD compares: African/African-American, 0.69%; 4 homozygotes.

Submissions (4):

Labcorp Genetics (formerly Invitae), Labcorp
Classification: Benign. Last evaluated: 2026-01-26. Review status: criteria provided, single submitter. Criteria: Invitae Variant Classification Sherloc (09022015). Collection method: clinical testing. Allele origin: germline.

Blueprint Genetics
Classification: Likely benign. Last evaluated: 2024-09-23. Review status: criteria provided, single submitter. Criteria: ACMG Guidelines, 2015. Collection method: clinical testing. Allele origin: germline.

Fulgent Genetics
Classification: Likely benign for Tumoral calcinosis, hyperphosphatemic, familial, 3. Last evaluated: 2021-07-23. Review status: criteria provided, single submitter. Criteria: ACMG Guidelines, 2015. Collection method: clinical testing. Allele origin: unknown.

PreventionGenetics, part of Exact Sciences
Classification: Likely benign for KL-related condition. Last evaluated: 2019-10-28. Review status: no assertion criteria provided. Collection method: clinical testing. Allele origin: germline. Not counted in ClinVar's aggregate classification.
Comment: This variant is classified as likely benign based on ACMG/AMP sequence variant interpretation guidelines (Richards et al. 2015 PMID: 25741868, with internal and published modifications).